The following is an entry in ClinVar:

ClinVar aggregate classification (germline): Uncertain significance (1 of 4 stars; one submission).

Conditions:
Primary ciliary dyskinesia. Also called: Ciliary dyskinesia. Identifiers: Orphanet 244, MedGen C0008780, MONDO:0016575, HP:0012265.

Allele frequency attached by ClinVar (database versions not stated): gnomAD exomes below 0.00001; gnomAD 0.00001; 1000 Genomes Project 30x 0.00016; 1000 Genomes Project 0.00020.
gnomAD v4.1: 2 of 1,613,200 alleles (0.00012%); highest among the groups gnomAD compares: Admixed American, 0.0017%; no homozygotes.

Submission:

Labcorp Genetics (formerly Invitae), Labcorp
Classification: Uncertain significance for Primary ciliary dyskinesia. Last evaluated: 2022-06-04. Review status: criteria provided, single submitter. Criteria: Invitae Variant Classification Sherloc (09022015). Collection method: clinical testing. Allele origin: germline.
Comment: This sequence change replaces glutamic acid, which is acidic and polar, with aspartic acid, which is acidic and polar, at codon 147 of the DNAH5 protein (p.Glu147Asp). This variant is present in population databases (rs200732050, gnomAD 0.0009%). This variant has not been reported in the literature in individuals affected with DNAH5-related conditions. ClinVar contains an entry for this variant (Variation ID: 1060048). Algorithms developed to predict the effect of missense changes on protein structure and function output the following: SIFT: "Tolerated"; PolyPhen-2: "Benign"; Align-GVGD: "Class C0". The aspartic acid amino acid residue is found in multiple mammalian species, which suggests that this missense change does not adversely affect protein function. In summary, the available evidence is currently insufficient to determine the role of this variant in disease. Therefore, it has been classified as a Variant of Uncertain Significance.

NM_001369.3(DNAH5):c.441G>C (p.Glu147Asp)

Gene: DNAH5 (dynein axonemal heavy chain 5; minus strand). Cytogenetic location: 5p15.2.
Variant type: single nucleotide variant.
Coding change: c.441G>C on transcript NM_001369.3 (MANE Select); coding-DNA position 441, G replaced by C.
Protein change: p.Glu147Asp; replaces glutamic acid 147 with aspartic acid.
Molecular consequence: missense variant.
Genome position (GRCh38, 1-based): chr5:13,922,326, C>G on the plus strand (G>C on the coding strand, the complement: DNAH5 is on the minus strand). VCF-style: chr5-13922326-C-G. GRCh37 (hg19) VCF-style: chr5-13922435-C-G.
Other names: short protein forms E147D.
Identifiers: ClinVar variation 1060048 (VCV001060048.6), dbSNP rs200732050, ClinGen allele CA113967196.